The following is an entry in ClinVar:

NM_001080467.3(MYO5B):c.921G>T (p.Lys307Asn)

Gene: MYO5B (myosin VB; minus strand). Cytogenetic location: 18q21.1.
Variant type: single nucleotide variant.
Coding change: c.921G>T on transcript NM_001080467.3 (MANE Select); coding-DNA position 921, G replaced by T.
Protein change: p.Lys307Asn; replaces lysine 307 with asparagine.
Molecular consequence: missense variant.
Genome position (GRCh38, 1-based): chr18:49,984,743, C>A on the plus strand (G>T on the coding strand, the complement: MYO5B is on the minus strand). VCF-style: chr18-49984743-C-A. GRCh37 (hg19) VCF-style: chr18-47511113-C-A.
Other names: short protein forms K307N.
Identifiers: ClinVar variation 327075 (VCV000327075.20), dbSNP rs17659179, ClinGen allele CA8961720.

ClinVar aggregate classification (germline): Benign. Review status: criteria provided, multiple submitters, no conflicts (2 of 4 stars). 6 submissions from 6 submitters: Benign (6). Last evaluated 2026-02-02.

Conditions:
Congenital microvillous atrophy (DIAR2). Also called: DAVIDSON DISEASE; MICROVILLUS ATROPHY, CONGENITAL; Microvillus inclusion disease; Diarrhea 2 with microvillus atrophy, with or without cholestasis; CONGENITAL FAMILIAL PROTRACTED DIARRHEA WITH ENTEROCYTE BRUSH-BORDER ABNORMALITIES. Identifiers: Orphanet 2290, MedGen C0341306, MONDO:0009635, OMIM 251850.

Allele frequency attached by ClinVar (database versions not stated): 1000 Genomes Project 0.03155; 1000 Genomes Project 30x 0.03170; TOPMed 0.04458; ESP Exome Variant Server 0.04510; gnomAD 0.04586 and 0.04692; ExAC 0.05112; gnomAD exomes 0.05148 and 0.05804.
gnomAD v4.1: 91,202 of 1,612,904 alleles (5.7%); highest among the groups gnomAD compares: Non-Finnish European, 6.3%; 2,840 homozygotes.

Submissions (6):

Labcorp Genetics (formerly Invitae), Labcorp
Classification: Benign. Last evaluated: 2026-02-02. Review status: criteria provided, single submitter. Criteria: Invitae Variant Classification Sherloc (09022015). Collection method: clinical testing. Allele origin: germline.

Mayo Clinic Laboratories, Mayo Clinic
Classification: Benign. Last evaluated: 2022-09-06. Review status: criteria provided, single submitter. Criteria: ACMG Guidelines, 2015. Collection method: clinical testing. Allele origin: germline. Observed: 9 variant alleles.

GeneDx
Classification: Benign. Last evaluated: 2021-06-09. Review status: criteria provided, single submitter. Criteria: GeneDx Variant Classification Process June 2021. Collection method: clinical testing. Allele origin: germline. Affected: yes.

Illumina Laboratory Services, Illumina
Classification: Benign for Congenital microvillous atrophy. Last evaluated: 2018-01-12. Review status: criteria provided, single submitter. Criteria: ICSL Variant Classification Criteria 13 December 2019. Collection method: clinical testing. Allele origin: germline.
Comment: This variant was observed in the ICSL laboratory as part of a predisposition screen in an ostensibly healthy population. It had not been previously curated by ICSL or reported in the Human Gene Mutation Database (HGMD: prior to June 1st, 2018), and was therefore a candidate for classification through an automated scoring system. Utilizing variant allele frequency, disease prevalence and penetrance estimates, and inheritance mode, an automated score was calculated to assess if this variant is too frequent to cause the disease. Based on the score and internal cut-off values, a variant classified as benign is not then subjected to further curation. The score for this variant resulted in a classification of benign for this disease.

Laboratory for Molecular Medicine, Mass General Brigham Personalized Medicine
Classification: Benign. Last evaluated: 2016-03-28. Review status: criteria provided, single submitter. Criteria: LMM Criteria. Collection method: clinical testing. Allele origin: germline.
Comment: Variant identified in a genome or exome case(s) and assessed due to predicted null impact of the variant or pathogenic assertions in the literature or databases. Disclaimer: This variant has not undergone full assessment. The following are preliminary notes: MAF

Breakthrough Genomics
Classification: Benign. Review status: criteria provided, single submitter. Criteria: ACMG Guidelines, 2015. Collection method: not provided. Allele origin: germline. Inheritance: Autosomal recessive inheritance. Affected: yes.